The following is an entry in ClinVar:

ClinVar aggregate classification (germline): Uncertain significance. Review status: criteria provided, multiple submitters, no conflicts (2 of 4 stars). 2 submissions from 2 submitters: Uncertain significance (2). Last evaluated 2024-10-10.

Conditions:
Hereditary cancer-predisposing syndrome. Also called: Tumor predisposition; Neoplastic Syndromes, Hereditary; Hereditary Cancer Syndrome; Hereditary neoplastic syndrome. Identifiers: Orphanet 140162, MedGen C0027672, MeSH D009386, MONDO:0015356.
DICER1-related tumor predisposition. Also called: DICER1-related pleuropulmonary blastoma cancer predisposition syndrome; DICER1 syndrome. Identifiers: Orphanet 284343, MedGen C3839822, MONDO:0100216.

Allele frequency attached by ClinVar (database versions not stated): TOPMed below 0.00001; ExAC 0.00001; gnomAD 0.00001.
gnomAD v4.1: 1 of 1,614,034 alleles (0.000062%); highest among the groups gnomAD compares: African/African-American, 0.0013%; no homozygotes.

Submissions (2):

Labcorp Genetics (formerly Invitae), Labcorp
Classification: Uncertain significance for DICER1-related tumor predisposition. Last evaluated: 2024-10-10. Review status: criteria provided, single submitter. Criteria: Invitae Variant Classification Sherloc (09022015). Collection method: clinical testing. Allele origin: germline.
Comment: This sequence change replaces serine, which is neutral and polar, with arginine, which is basic and polar, at codon 760 of the DICER1 protein (p.Ser760Arg). This variant is present in population databases (rs761639070, gnomAD 0.007%). This variant has not been reported in the literature in individuals affected with DICER1-related conditions. ClinVar contains an entry for this variant (Variation ID: 1788884). Invitae Evidence Modeling of protein sequence and biophysical properties (such as structural, functional, and spatial information, amino acid conservation, physicochemical variation, residue mobility, and thermodynamic stability) has been performed for this missense variant. However, the output from this modeling did not meet the statistical confidence thresholds required to predict the impact of this variant on DICER1 protein function. In summary, the available evidence is currently insufficient to determine the role of this variant in disease. Therefore, it has been classified as a Variant of Uncertain Significance.

Ambry Genetics
Classification: Uncertain significance for Hereditary cancer-predisposing syndrome. Last evaluated: 2021-01-06. Review status: criteria provided, single submitter. Criteria: Ambry Variant Classification Scheme 2023. Collection method: clinical testing. Allele origin: germline.
Comment: The p.S760R variant (also known as c.2278A>C), located in coding exon 14 of the DICER1 gene, results from an A to C substitution at nucleotide position 2278. The serine at codon 760 is replaced by arginine, an amino acid with dissimilar properties. This amino acid position is well conserved in available vertebrate species. In addition, this alteration is predicted to be deleterious by in silico analysis. Since supporting evidence is limited at this time, the clinical significance of this alteration remains unclear.

NM_177438.3(DICER1):c.2278A>C (p.Ser760Arg)

Gene: DICER1 (dicer 1, ribonuclease III; minus strand). Cytogenetic location: 14q32.13.
Variant type: single nucleotide variant.
Coding change: c.2278A>C on transcript NM_177438.3 (MANE Select); coding-DNA position 2278, A replaced by C.
Protein change: p.Ser760Arg; replaces serine 760 with arginine.
Molecular consequence: missense variant. On other transcripts: non-coding transcript variant (6).
Genome position (GRCh38, 1-based): chr14:95,108,482, T>G on the plus strand (A>C on the coding strand, the complement: DICER1 is on the minus strand). VCF-style: chr14-95108482-T-G. GRCh37 (hg19) VCF-style: chr14-95574819-T-G.
Other names: c.2278A>C, p.Ser760Arg (NM_001195573.1, NM_001271282.3, NM_001291628.2 and 13 more transcripts); c.1996A>C, p.Ser666Arg (NM_001395686.1); c.1873A>C, p.Ser625Arg (NM_001395687.1, NM_001395688.1, NM_001395689.1 and 2 more transcripts); c.1711A>C, p.Ser571Arg (NM_001395691.1); c.595A>C, p.Ser199Arg (NM_001395697.1); short protein forms S199R, S571R, S666R, S625R, S760R.
Identifiers: ClinVar variation 1788884 (VCV001788884.4), dbSNP rs761639070, ClinGen allele CA7331260.